The following is an entry in ClinVar:

NM_001005373.4(LRSAM1):c.1058C>G (p.Ser353Cys)

Gene: LRSAM1 (leucine rich repeat and sterile alpha motif containing 1; plus strand). Cytogenetic location: 9q33.3.
Variant type: single nucleotide variant.
Coding change: c.1058C>G on transcript NM_001005373.4 (MANE Select); coding-DNA position 1058, C replaced by G.
Protein change: p.Ser353Cys; replaces serine 353 with cysteine.
Molecular consequence: missense variant. On other transcripts: non-coding transcript variant (2).
Genome position (GRCh38, 1-based): chr9:127,481,197, C>G. VCF-style: chr9-127481197-C-G. GRCh37 (hg19) VCF-style: chr9-130243476-C-G.
Other names: c.1058C>G, p.Ser353Cys (NM_001005374.4, NM_001190723.3, NM_001384142.1 and 2 more transcripts); c.269C>G, p.Ser90Cys (NM_001384144.1); c.1058C>G (NM_138361.4); short protein forms S353C, S90C.
Identifiers: ClinVar variation 1406069 (VCV001406069.8), dbSNP rs748144981, ClinGen allele CA5246817.
Genomic context (GRCh38, chr9:127,481,197, plus strand): 5'-CAGGCCTGCTGGTGACTGCCAGGACCTTTTATGATTTTCTCCACAGACAAAAGAAAAGCT[C>G]CGAGATTTTGAAATCGCTGGAAAATGAAAGGTAAGTGTTCTTCCAGGGGAGGGCAGCATT-3'
Protein context (NP_001005373.1, residues 343-363): LQDNQRQKKS[Ser353Cys]EILKSLENER

ClinVar aggregate classification (germline): Uncertain significance. Review status: criteria provided, multiple submitters, no conflicts (2 of 4 stars). 3 submissions from 3 submitters: Uncertain significance (3). Last evaluated 2026-04-15.

Conditions:
LRSAM1-related disorder. Also called: LRSAM1-related condition.
Inborn genetic diseases. Identifiers: MedGen C0950123, MeSH D030342.
Charcot-Marie-Tooth disease axonal type 2P. Also called: CHARCOT-MARIE-TOOTH NEUROPATHY, TYPE 2P; CHARCOT-MARIE-TOOTH DISEASE, AXONAL, TYPE 2G; CMT 2G; Charcot-Marie-Tooth Neuropathy Type 2G. Identifiers: Orphanet 300319, Orphanet 99941, MedGen C3280797, MONDO:0013753, OMIM 614436.

Allele frequency attached by ClinVar (database versions not stated): ExAC 0.00001; gnomAD exomes 0.00001 and 0.00002.
gnomAD v4.1: 22 of 1,613,816 alleles (0.0014%); highest among the groups gnomAD compares: Non-Finnish European, 0.0017%; no homozygotes.

Submissions (3):

PreventionGenetics, part of Exact Sciences
Classification: Uncertain significance for LRSAM1-related condition. Last evaluated: 2026-04-15. Review status: criteria provided, single submitter. Criteria: ACMG Guidelines, 2015. Collection method: clinical testing. Allele origin: germline.
Comment: The LRSAM1 c.1058C>G variant is predicted to result in the amino acid substitution p.Ser353Cys. To our knowledge, this variant has not been reported in the literature. This variant is reported in 0.0035% of alleles in individuals of European (non-Finnish) descent in gnomAD. At this time, the clinical significance of this variant is uncertain due to the absence of conclusive functional and genetic evidence.

Labcorp Genetics (formerly Invitae), Labcorp
Classification: Uncertain significance for Charcot-Marie-Tooth disease axonal type 2P. Last evaluated: 2025-11-03. Review status: criteria provided, single submitter. Criteria: Invitae Variant Classification Sherloc (09022015). Collection method: clinical testing. Allele origin: germline.
Comment: This sequence change replaces serine, which is neutral and polar, with cysteine, which is neutral and slightly polar, at codon 353 of the LRSAM1 protein (p.Ser353Cys). This variant is present in population databases (rs748144981, gnomAD 0.004%). This variant has not been reported in the literature in individuals affected with LRSAM1-related conditions. ClinVar contains an entry for this variant (Variation ID: 1406069). Invitae Evidence Modeling of protein sequence and biophysical properties (such as structural, functional, and spatial information, amino acid conservation, physicochemical variation, residue mobility, and thermodynamic stability) has been performed for this missense variant. However, the output from this modeling did not meet the statistical confidence thresholds required to predict the impact of this variant on LRSAM1 protein function. In summary, the available evidence is currently insufficient to determine the role of this variant in disease. Therefore, it has been classified as a Variant of Uncertain Significance.

Ambry Genetics
Classification: Uncertain significance for Inborn genetic diseases. Last evaluated: 2024-01-17. Review status: criteria provided, single submitter. Criteria: Ambry Variant Classification Scheme 2023. Collection method: clinical testing. Allele origin: germline.